The following is an entry in ClinVar:

NM_001083614.2(EARS2):c.296G>C (p.Gly99Ala)

Gene: EARS2 (glutamyl-tRNA synthetase 2, mitochondrial; minus strand). Cytogenetic location: 16p12.2.
Variant type: single nucleotide variant.
Coding change: c.296G>C on transcript NM_001083614.2 (MANE Select); coding-DNA position 296, G replaced by C.
Protein change: p.Gly99Ala; replaces glycine 99 with alanine.
Molecular consequence: missense variant. On other transcripts: non-coding transcript variant (1).
Genome position (GRCh38, 1-based): chr16:23,544,703, C>G on the plus strand (G>C on the coding strand, the complement: EARS2 is on the minus strand). VCF-style: chr16-23544703-C-G. GRCh37 (hg19) VCF-style: chr16-23556024-C-G.
Other names: c.296G>C, p.Gly99Ala (NM_001308211.1, NM_133451.1); short protein forms G99A.
Identifiers: ClinVar variation 1804944 (VCV001804944.1), dbSNP rs2506892600, ClinGen allele CA395138740.

ClinVar aggregate classification (germline): Uncertain significance (1 of 4 stars; one submission).

Conditions:
Leukoencephalopathy-thalamus and brainstem anomalies-high lactate syndrome. Also called: LEUKOENCEPHALOPATHY WITH THALAMUS AND BRAINSTEM INVOLVEMENT AND HIGH LACTATE; Combined oxidative phosphorylation deficiency 12. Identifiers: Orphanet 314051, MedGen C4706421, MONDO:0013971, OMIM 614924.

Submission:

Victorian Clinical Genetics Services, Murdoch Childrens Research Institute
Classification: Uncertain significance for Leukoencephalopathy-thalamus and brainstem anomalies-high lactate syndrome. Last evaluated: 2021-05-06. Review status: criteria provided, single submitter. Criteria: ACMG Guidelines, 2015. Collection method: clinical testing. Allele origin: germline. Inheritance: Autosomal recessive inheritance. Affected: yes.
Comment: Based on the classification scheme VCGS_Germline_v1.3.4, this variant is classified as VUS-3A. Following criteria are met: 0102 - Loss of function is a known mechanism of disease in this gene and is associated with combined oxidative phosphorylation deficiency (MIM#614924). (I) 0106 - This gene is associated with autosomal recessive disease. (I) 0200 - Variant is predicted to result in a missense amino acid change from glycine to alanine. (I) 0252 - This variant is homozygous. (I) 0301 - Variant is absent from gnomAD (both v2 and v3). (SP) 0502 - Missense variant with conflicting in silico predictions and uninformative conservation. (I) 0600 - Variant is located in the annotated catalytic domain (Pfam). (I) 0601 - Variant is located in the well-established functional catalytic domain. The catalytic domain is conserved in class I tRNA synthetases, and pathogenic variants are reported in this domain (PMID: 24706556, 22492562). (SP) 0705 - No comparable missense variants have previous evidence for pathogenicity. (I) 0807 - This variant has no previous evidence of pathogenicity. (I) 0905 - No published segregation evidence has been identified for this variant. (I) 1007 - No published functional evidence has been identified for this variant. (I) 1208 - Inheritance information for this variant is not currently available in this individual. (I) Legend: (SP) - Supporting pathogenic, (I) - Information, (SB) - Supporting benign

Literature cited by the submitters: PubMed 22492562; PubMed 24706556.